The following is an entry in ClinVar:

ClinVar aggregate classification (germline): Uncertain significance (1 of 4 stars; one submission).

Conditions:
NCOA1-related disorder. Also called: NCOA1-related condition.

Submission:

PreventionGenetics, part of Exact Sciences
Classification: Uncertain significance for NCOA1-related condition. Last evaluated: 2025-03-29. Review status: criteria provided, single submitter. Criteria: ACMG Guidelines, 2015. Collection method: clinical testing. Allele origin: germline.
Comment: The NCOA1 c.4089C>A variant is predicted to result in the amino acid substitution p.His1363Gln. To our knowledge, this variant has not been reported in the literature or in a large population database (gnomAD), indicating this variant is rare. At this time, the clinical significance of this variant is uncertain due to the absence of conclusive functional and genetic evidence.

NM_003743.5(NCOA1):c.4089C>A (p.His1363Gln)

Gene: NCOA1 (nuclear receptor coactivator 1; plus strand). Cytogenetic location: 2p23.3.
Variant type: single nucleotide variant.
Coding change: c.4089C>A on transcript NM_003743.5 (MANE Select); coding-DNA position 4089, C replaced by A.
Protein change: p.His1363Gln; replaces histidine 1363 with glutamine.
Molecular consequence: missense variant.
Genome position (GRCh38, 1-based): chr2:24,762,710, C>A. VCF-style: chr2-24762710-C-A. GRCh37 (hg19) VCF-style: chr2-24985579-C-A.
Other names: c.4089C>A, p.His1363Gln (NM_001362950.1, NM_001362952.1, NM_001362954.1 and 3 more transcripts); short protein forms H1363Q.
Identifiers: ClinVar variation 5001803 (VCV005001803.1).
Genomic context (GRCh38, chr2:24,762,710, plus strand): 5'-CTAGCTTGTAATTTGATCTTGTATTTATCTTTAATAGATAAATGATCCCGCACTGAGACA[C>A]ACAGGCCTCTACTGCAACCAGCTCTCATCCACTGACCTTCTCAAAACAGAAGCAGATGGA-3'
Protein context (NP_003734.3, residues 1353-1373): PEQINDPALR[His1363Gln]TGLYCNQLSS